The following is an entry in ClinVar:

NM_004946.3(DOCK2):c.2668A>G (p.Asn890Asp)

Gene: DOCK2 (dedicator of cytokinesis 2; plus strand). Cytogenetic location: 5q35.1.
Variant type: single nucleotide variant.
Coding change: c.2668A>G on transcript NM_004946.3 (MANE Select); coding-DNA position 2668, A replaced by G.
Protein change: p.Asn890Asp; replaces asparagine 890 with aspartic acid.
Molecular consequence: missense variant. On other transcripts: non-coding transcript variant (1).
Genome position (GRCh38, 1-based): chr5:169,803,171, A>G. VCF-style: chr5-169803171-A-G. GRCh37 (hg19) VCF-style: chr5-169230175-A-G.
Other names: short protein forms N890D.
Identifiers: ClinVar variation 1897376 (VCV001897376.5), dbSNP rs2533047486, ClinGen allele CA362198001.

ClinVar aggregate classification (germline): Uncertain significance (1 of 4 stars; one submission).

Conditions:
DOCK2 deficiency. Also called: Immunodeficiency 40. Identifiers: Orphanet 447737, MedGen C4225328, MONDO:0014637, OMIM 616433.

Allele frequency attached by ClinVar (database versions not stated): gnomAD exomes below 0.00001.
gnomAD v4.1: 3 of 1,614,090 alleles (0.00019%); highest among the groups gnomAD compares: Non-Finnish European, 0.00017%; no homozygotes.

Submission:

Labcorp Genetics (formerly Invitae), Labcorp
Classification: Uncertain significance for DOCK2 deficiency. Last evaluated: 2022-04-16. Review status: criteria provided, single submitter. Criteria: Invitae Variant Classification Sherloc (09022015). Collection method: clinical testing. Allele origin: germline.
Comment: This variant is not present in population databases (gnomAD no frequency). In summary, the available evidence is currently insufficient to determine the role of this variant in disease. Therefore, it has been classified as a Variant of Uncertain Significance. Algorithms developed to predict the effect of missense changes on protein structure and function (SIFT, PolyPhen-2, Align-GVGD) all suggest that this variant is likely to be tolerated. This variant has not been reported in the literature in individuals affected with DOCK2-related conditions. This sequence change replaces asparagine, which is neutral and polar, with aspartic acid, which is acidic and polar, at codon 890 of the DOCK2 protein (p.Asn890Asp).